The following is an entry in ClinVar:

ClinVar aggregate classification (germline): Likely pathogenic (1 of 4 stars; one submission).

Submission:

GeneDx
Classification: Likely pathogenic. Last evaluated: 2017-05-09. Review status: criteria provided, single submitter. Criteria: GeneDx Variant Classification (06012015). Collection method: clinical testing. Allele origin: germline. Affected: yes.
Comment: The c.2677+5 G>C variant has not been reported as a disease-causing variant or as a benign polymorphism to our knowledge. In silico splice prediction algorithms predict c.2677+5 G>C damages the natural splice donor site in intron 22 and causes abnormal gene splicing. Other splice site variants in the FBN1 gene have been reported in HGMD in association with FBN1-related disorders (Stenson P et al., 2014). Furthermore, the c.2677+5 G>C variant was not observed in approximately 6500 individuals of European and African American ancestry in the NHLBI Exome Sequencing Project, indicating it is not a common benign variant in these populations.Therefore, this variant is a strong candidate for a pathogenic mutation, however the possibility that it is a benign variant cannot be excluded

NM_000138.5(FBN1):c.2677+5G>C

Gene: FBN1 (fibrillin 1; minus strand). Cytogenetic location: 15q21.1.
Variant type: single nucleotide variant.
Coding change: c.2677+5G>C on transcript NM_000138.5 (MANE Select); 5 bases into the intron after coding-DNA position 2677, G replaced by C.
Molecular consequence: intron variant.
Genome position (GRCh38, 1-based): chr15:48,495,118, C>G on the plus strand (G>C on the coding strand, the complement: FBN1 is on the minus strand). VCF-style: chr15-48495118-C-G. GRCh37 (hg19) VCF-style: chr15-48787315-C-G.
Identifiers: ClinVar variation 427082 (VCV000427082.2), dbSNP rs1085307946, ClinGen allele CA645293892.